The following is an entry in ClinVar:

NM_000238.4(KCNH2):c.2000dup (p.Tyr667Ter)

Gene: KCNH2 (potassium voltage-gated channel subfamily H member 2; minus strand). Cytogenetic location: 7q36.1.
Variant type: Duplication.
Coding change: c.2000dup on transcript NM_000238.4 (MANE Select); coding-DNA position 2000, one base duplicated (A; older notation c.2000dupA).
Protein change: p.Tyr667Ter; replaces tyrosine 667 with a stop codon.
Molecular consequence: nonsense. On other transcripts: frameshift variant (6).
Genome position (GRCh38, 1-based): chr7:150,951,066, T duplicated on the plus strand (A on the coding strand, the reverse complement: KCNH2 is on the minus strand). VCF-style (leftmost placement, unchanged base first): chr7-150951065-G-GT. GRCh37 (hg19) VCF-style: chr7-150648153-G-GT.
Other names: c.2000dupA (NM_000238.3); c.980dup, p.Tyr327Ter (NM_001204798.2, NM_172057.3); c.1712dup, p.Tyr571Terfs (NM_001406753.1, NM_001406756.1); c.1823dup, p.Tyr608Terfs (NM_001406755.1); c.1700dup, p.Tyr567Terfs (NM_001406757.1); c.2000dup, p.Tyr667Terfs (NM_172056.3); short protein forms Y327*, Y667*.
Identifiers: ClinVar variation 405345 (VCV000405345.10), dbSNP rs1554425527, ClinGen allele CA16612307.

ClinVar aggregate classification (germline): Pathogenic (1 of 4 stars; one submission).

Conditions:
Long QT syndrome (LQTS). Identifiers: MedGen C0023976, MeSH D008133, MONDO:0002442. Disease mechanism: loss of function. Inheritance: Various modes of inheritance.

Submission:

Labcorp Genetics (formerly Invitae), Labcorp
Classification: Pathogenic for Long QT syndrome. Last evaluated: 2016-06-04. Review status: criteria provided, single submitter. Criteria: Invitae Variant Classification Sherloc (09022015). Collection method: clinical testing. Allele origin: germline.
Comment: For these reasons, this variant has been classified as Pathogenic. While this particular variant has not been reported in the literature, truncating variants in KCNH2 are known to be pathogenic (PMID: 19862833). This sequence change inserts 1 nucleotide in exon 8 of the KCNH2 mRNA (c.2000dupA), causing a frameshift at codon 667. This creates a premature translational stop signal (p.Tyr667*) and is expected to result in an absent or disrupted protein product.

Literature cited by the submitters: PubMed 19862833.